The following is an entry in ClinVar:

NM_003072.5(SMARCA4):c.235A>G (p.Met79Val)

Gene: SMARCA4 (SWI/SNF related BAF chromatin remodeling complex subunit ATPase 4; plus strand). Cytogenetic location: 19p13.2.
Variant type: single nucleotide variant.
Coding change: c.235A>G on transcript NM_003072.5 (MANE Select); coding-DNA position 235, A replaced by G.
Protein change: p.Met79Val; replaces methionine 79 with valine.
Molecular consequence: missense variant. On other transcripts: non-coding transcript variant (1).
Genome position (GRCh38, 1-based): chr19:10,985,285, A>G. VCF-style: chr19-10985285-A-G. GRCh37 (hg19) VCF-style: chr19-11095961-A-G.
Other names: c.235A>G, p.Met79Val (NM_001128844.3, NM_001128845.2, NM_001128846.2 and 5 more transcripts); short protein forms M79V.
Identifiers: ClinVar variation 238402 (VCV000238402.24), dbSNP rs767638396, ClinGen allele CA10583712.

ClinVar aggregate classification (germline): Conflicting classifications of pathogenicity. Review status: criteria provided, conflicting classifications (1 of 4 stars). 9 submissions from 9 submitters: Uncertain significance (7); Likely benign (2). Last evaluated 2026-07-06.

Conditions:
SMARCA4-related disorder. Also called: SMARCA4-related condition.
Hereditary cancer-predisposing syndrome. Also called: Hereditary Cancer Syndrome; Tumor predisposition; Hereditary neoplastic syndrome; Neoplastic Syndromes, Hereditary. Identifiers: Orphanet 140162, MedGen C0027672, MeSH D009386, MONDO:0015356.
Intellectual disability, autosomal dominant 16 (CSS4). Also called: COFFIN-SIRIS SYNDROME 4. Identifiers: Orphanet 1465, MedGen C3553249, MONDO:0013821, OMIM 614609.
Rhabdoid tumor predisposition syndrome 2 (RTPS2). Identifiers: Orphanet 231108, Orphanet 69077, MedGen C2750074, MONDO:0013224, OMIM 613325.

Allele frequency attached by ClinVar (database versions not stated): gnomAD exomes 0.00004 and 0.00002; gnomAD 0.00004; TOPMed 0.00002.
gnomAD v4.1: 66 of 1,613,748 alleles (0.0041%); highest among the groups gnomAD compares: East Asian, 0.0067%; no homozygotes.

Submissions (9):

Myriad Genetics, Inc.
Classification: Likely benign for Rhabdoid tumor predisposition syndrome 2. Last evaluated: 2026-07-06. Review status: criteria provided, single submitter. Criteria: Myriad Autosomal Dominant, Autosomal Recessive and X-Linked Classification Criteria (2023). Collection method: clinical testing. Allele origin: unknown.
Comment: This variant is considered likely benign. This variant has been observed at a population frequency that is significantly greater than expected given the associated disease prevalence and penetrance.

Labcorp Genetics (formerly Invitae), Labcorp
Classification: Uncertain significance for Rhabdoid tumor predisposition syndrome 2. Last evaluated: 2025-12-24. Review status: criteria provided, single submitter. Criteria: Invitae Variant Classification Sherloc (09022015). Collection method: clinical testing. Allele origin: germline.
Comment: This sequence change replaces methionine, which is neutral and non-polar, with valine, which is neutral and non-polar, at codon 79 of the SMARCA4 protein (p.Met79Val). This variant is present in population databases (rs767638396, gnomAD 0.005%). This variant has not been reported in the literature in individuals affected with SMARCA4-related conditions. ClinVar contains an entry for this variant (Variation ID: 238402). Invitae Evidence Modeling of protein sequence and biophysical properties (such as structural, functional, and spatial information, amino acid conservation, physicochemical variation, residue mobility, and thermodynamic stability) indicates that this missense variant is not expected to disrupt SMARCA4 protein function with a negative predictive value of 95%. In summary, the available evidence is currently insufficient to determine the role of this variant in disease. Therefore, it has been classified as a Variant of Uncertain Significance.

Quest Diagnostics Nichols Institute San Juan Capistrano
Classification: Uncertain significance. Last evaluated: 2025-09-17. Review status: criteria provided, single submitter. Criteria: Quest Diagnostics criteria. Collection method: clinical testing. Allele origin: unknown.
Comment: The SMARCA4 c.235A>G (p.Met79Val) variant has been reported in the published literature in individuals with myeloid malignancy (PMID: 31911633 (2020)) and non-small cell lung cancer (PMID: 33854168 (2021)). The frequency of this variant in the general population (Genome Aggregation Database) is uninformative in the assessment of its pathogenicity. Analysis of this variant using bioinformatics tools for the prediction of the effect of amino acid changes on protein structure and function yielded predictions that this variant is benign. Based on the available information, we are unable to determine the clinical significance of this variant.

PreventionGenetics, part of Exact Sciences
Classification: Uncertain significance for SMARCA4-related condition. Last evaluated: 2025-06-03. Review status: criteria provided, single submitter. Criteria: ACMG Guidelines, 2015. Collection method: clinical testing. Allele origin: germline.
Comment: The SMARCA4 c.235A>G variant is predicted to result in the amino acid substitution p.Met79Val. To our knowledge, this variant has not been reported in the literature. This variant is reported in 0.0050% of alleles in individuals of East Asian descent in gnomAD, and has conflicting interpretations ranging from likely benign to uncertain in ClinVar. At this time, the clinical significance of this variant is uncertain due to the absence of conclusive functional and genetic evidence.

Ambry Genetics
Classification: Likely benign for Hereditary cancer-predisposing syndrome. Last evaluated: 2024-12-19. Review status: criteria provided, single submitter. Criteria: Ambry Variant Classification Scheme 2023. Collection method: clinical testing. Allele origin: germline.

GeneDx
Classification: Uncertain significance. Last evaluated: 2024-05-24. Review status: criteria provided, single submitter. Criteria: GeneDx Variant Classification Process June 2021. Collection method: clinical testing. Allele origin: germline.
Comment: In silico analysis indicates that this missense variant does not alter protein structure/function; Has not been previously published as pathogenic or benign to our knowledge

Baylor Genetics
Classification: Uncertain significance for Rhabdoid tumor predisposition syndrome 2. Last evaluated: 2023-09-29. Review status: criteria provided, single submitter. Criteria: ACMG Guidelines, 2015. Collection method: clinical testing. Allele origin: unknown.

Sema4
Classification: Uncertain significance for Hereditary cancer-predisposing syndrome. Last evaluated: 2021-09-02. Review status: criteria provided, single submitter. Criteria: Sema4 Curation Guidelines. Collection method: curation. Allele origin: germline.
Comment: The SMARCA4 c.235A>G (p.M79V) variant has not been reported in literature to our knowledge. This variant was observed in 1/19940 chromosomes in the East Asian population according to the Genome Aggregation Database (PMID: 32461654). This variant has been reported in ClinVar (Variation ID 238402). Functional studies have not been performed, and in silico predictions of the variant's effect on protein function are inconclusive. The overall evidence is insufficient to meet ACMG/AMP criteria for classifying it as benign or pathogenic. In summary, the clinical significance of this variant is currently uncertain.

Genome-Nilou Lab
Classification: Uncertain significance for Intellectual disability, autosomal dominant 16. Last evaluated: 2021-07-15. Review status: criteria provided, single submitter. Criteria: ACMG Guidelines, 2015. Collection method: clinical testing. Allele origin: germline. Affected: no.

Literature cited by the submitters: PubMed 31911633 (cited by Quest Diagnostics Nichols Institute San Juan Capistrano); PubMed 33854168 (cited by Quest Diagnostics Nichols Institute San Juan Capistrano).